The following is an entry in ClinVar:

ClinVar aggregate classification (germline): Pathogenic (1 of 4 stars; one submission).

Conditions:
Xeroderma pigmentosum, group C (XPC). Also called: XPC-Related Xeroderma Pigmentosum; XERODERMA PIGMENTOSUM III; XP, GROUP C; Xeroderma pigmentosum, complementation group C. Identifiers: Orphanet 910, MedGen C2752147, MONDO:0010211, OMIM 278720.

Allele frequency attached by ClinVar (database versions not stated): gnomAD exomes below 0.00001.

Submission:

Division of Genomic Medicine, Department of Advanced Medicine, Medical Research Institute, Kanazawa Medical University
Classification: Pathogenic for Xeroderma pigmentosum, group C. Last evaluated: 2023-10-01. Review status: criteria provided, single submitter. Criteria: ACMG Guidelines, 2015. Collection method: clinical testing. Allele origin: germline. Affected: yes. Observed: 1 variant allele.
Comment: Also, NM_004628.5:c.218_219insT is absent from controls (PM2). It is judged to be pathogenic according to ACMG Guidelines, 2015.

NM_004628.5(XPC):c.218_219insT (p.Lys73fs)

Gene: XPC (XPC complex subunit, DNA damage recognition and repair factor; minus strand). Cytogenetic location: 3p25.1.
Variant type: Insertion.
Coding change: c.218_219insT on transcript NM_004628.5 (MANE Select); coding-DNA positions 218 to 219, T inserted.
Protein change: p.Lys73fs; shifts the reading frame from lysine 73.
Molecular consequence: frameshift variant. On other transcripts: non-coding transcript variant (2), 5 prime UTR variant (1).
Genome position: GRCh38 VCF-style: chr3-14172947-C-CA. GRCh37 (hg19) VCF-style: chr3-14214447-C-CA.
Other names: c.218_219insT, p.Lys73fs (NM_001354727.2, NM_001354730.2); c.200_201insT, p.Lys67fs (NM_001354729.2); c.-238_-237insT (NM_001354726.2); short protein forms K67fs, K73fs.
Identifiers: ClinVar variation 2581102 (VCV002581102.1), dbSNP rs2470304057, ClinGen allele CA2582342839.